The following is an entry in ClinVar:

ClinVar aggregate classification (germline): Uncertain significance. Review status: criteria provided, single submitter (1 of 4 stars). 2 submissions from 2 submitters: Uncertain significance (1). 1 of the submissions does not count toward it. Last evaluated 2023-07-25.

Conditions:
Aldosterone-producing adenoma with seizures and neurological abnormalities. Also called: Primary aldosteronism, seizures, and neurologic abnormalities. Identifiers: Orphanet 369929, MedGen C3809609, MONDO:0014200, OMIM 615474.

Allele frequency attached by ClinVar (database versions not stated): gnomAD exomes 0.00001.
gnomAD v4.1: 5 of 1,611,946 alleles (0.00031%); highest among the groups gnomAD compares: Non-Finnish European, 0.00042%; no homozygotes.

Submissions (2):

Labcorp Genetics (formerly Invitae), Labcorp
Classification: Uncertain significance. Last evaluated: 2023-07-25. Review status: criteria provided, single submitter. Criteria: Invitae Variant Classification Sherloc (09022015). Collection method: clinical testing. Allele origin: germline.
Comment: ClinVar contains an entry for this variant (Variation ID: 1896189). This variant has not been reported in the literature in individuals affected with CACNA1D-related conditions. This variant is not present in population databases (gnomAD no frequency). This sequence change replaces isoleucine, which is neutral and non-polar, with valine, which is neutral and non-polar, at codon 1158 of the CACNA1D protein (p.Ile1158Val). Advanced modeling of protein sequence and biophysical properties (such as structural, functional, and spatial information, amino acid conservation, physicochemical variation, residue mobility, and thermodynamic stability) performed at Invitae indicates that this missense variant is not expected to disrupt CACNA1D protein function. In summary, the available evidence is currently insufficient to determine the role of this variant in disease. Therefore, it has been classified as a Variant of Uncertain Significance.

Hong-Tao Li Lab, Institute of Brain Science and Brain-inspired Research, Shandong First Medical University & Shandong Academy of Medical Sciences China
Classification: Uncertain significance for Aldosterone-producing adenoma with seizures and neurological abnormalities. Review status: no assertion criteria provided. Collection method: research. Allele origin: germline. Inheritance: Autosomal dominant inheritance. Affected: yes. Observed: 1 variant allele, 1 heterozygote. Not counted in ClinVar's aggregate classification.
Comment: Observed in affected individuals from a Pakistani neurodevelopmental-disorder research cohort of 263 individuals. Classification assigned using the ACMG/AMP framework.

NM_001128840.3(CACNA1D):c.3412A>G (p.Ile1138Val)

Genes: CACNA1D (calcium voltage-gated channel subunit alpha1 D; plus strand), LOC129936904 (ATAC-STARR-seq lymphoblastoid active region 19969; plus strand). Cytogenetic location: 3p21.1.
Variant type: single nucleotide variant.
Coding change: c.3412A>G on transcript NM_001128840.3 (MANE Select); coding-DNA position 3412, A replaced by G.
Protein change: p.Ile1138Val; replaces isoleucine 1138 with valine.
Molecular consequence: missense variant.
Genome position (GRCh38, 1-based): chr3:53,749,365, A>G. VCF-style: chr3-53749365-A-G. GRCh37 (hg19) VCF-style: chr3-53783392-A-G.
Other names: c.3472A>G, p.Ile1158Val (NM_000720.4); c.3412A>G, p.Ile1138Val (NM_001128839.3); short protein forms I1138V, I1158V.
Identifiers: ClinVar variation 1896189 (VCV001896189.6), dbSNP rs2095204118, ClinGen allele CA353248831.
Genomic context (GRCh38, chr3:53,749,365, plus strand): 5'-ATCGGCCCAATCTACAACCACCGCGTGGAGATCTCCATCTTCTTCATCATCTACATCATC[A>G]TTGTAGCTTTCTTCATGATGAACATCTTTGTGGGCTTTGTCATCGTTACATTTCAGGAAC-3'
Protein context (NP_001122312.1, residues 1128-1148): ISIFFIIYII[Ile1138Val]VAFFMMNIFV